The following is an entry in ClinVar:

NM_001130823.3(DNMT1):c.493+3A>G

Gene: DNMT1 (DNA methyltransferase 1; minus strand). Cytogenetic location: 19p13.2.
Variant type: single nucleotide variant.
Coding change: c.493+3A>G on transcript NM_001130823.3 (MANE Select); 3 bases into the intron after coding-DNA position 493, A replaced by G.
Molecular consequence: intron variant.
Genome position (GRCh38, 1-based): chr19:10,180,184, T>C on the plus strand (A>G on the coding strand, the complement: DNMT1 is on the minus strand). VCF-style: chr19-10180184-T-C. GRCh37 (hg19) VCF-style: chr19-10290860-T-C.
Other names: c.130+3A>G (NM_001318731.2); c.445+166A>G (NM_001379.4, NM_001318730.2).
Identifiers: ClinVar variation 2107074 (VCV002107074.4), dbSNP rs1346191348, ClinGen allele CA783159446.

ClinVar aggregate classification (germline): Uncertain significance (1 of 4 stars; one submission).

Conditions:
Hereditary sensory neuropathy-deafness-dementia syndrome. Also called: Hereditary Sensory and Autonomic Neuropathy Type 1E (HSAN1E); Hereditary sensory neuropathy type IE; NEUROPATHY, HEREDITARY SENSORY, WITH HEARING LOSS AND DEMENTIA; HSN IE. Identifiers: Orphanet 456318, MedGen C3279885, MONDO:0013584, OMIM 614116.

Allele frequency attached by ClinVar (database versions not stated): gnomAD exomes below 0.00001; TOPMed below 0.00001.
gnomAD v4.1: 2 of 798,006 alleles (0.00025%); highest among the groups gnomAD compares: African/African-American, 0.0017%; no homozygotes.

Submission:

Labcorp Genetics (formerly Invitae), Labcorp
Classification: Uncertain significance for Hereditary sensory neuropathy-deafness-dementia syndrome. Last evaluated: 2023-08-10. Review status: criteria provided, single submitter. Criteria: Invitae Variant Classification Sherloc (09022015). Collection method: clinical testing. Allele origin: germline.
Comment: In summary, the available evidence is currently insufficient to determine the role of this variant in disease. Therefore, it has been classified as a Variant of Uncertain Significance. Variants that disrupt the consensus splice site are a relatively common cause of aberrant splicing (PMID: 17576681, 9536098). Algorithms developed to predict the effect of sequence changes on RNA splicing suggest that this variant may disrupt the consensus splice site. ClinVar contains an entry for this variant (Variation ID: 2107074). This variant has not been reported in the literature in individuals affected with DNMT1-related conditions. This variant is not present in population databases (gnomAD no frequency). This sequence change falls in intron 5 of the DNMT1 gene. It does not directly change the encoded amino acid sequence of the DNMT1 protein. It affects a nucleotide within the consensus splice site.

Literature cited by the submitters: PubMed 17576681; PubMed 9536098.